The following is an entry in ClinVar:

NM_020706.2(SCAF4):c.1457_1460del (p.Lys486fs)

Gene: SCAF4 (SR-related CTD associated factor 4; minus strand). Cytogenetic location: 21q22.11.
Variant type: Deletion.
Coding change: c.1457_1460del on transcript NM_020706.2 (MANE Select); coding-DNA positions 1457 to 1460, 4 bases deleted (AAGA; older notation c.1457_1460delAAGA).
Protein change: p.Lys486fs; shifts the reading frame from lysine 486.
Molecular consequence: frameshift variant.
Genome position (GRCh38, 1-based): chr21:31,693,347-31,693,350, TCTT deleted on the plus strand (AAGA on the coding strand, the reverse complement: SCAF4 is on the minus strand); deleting any 4 consecutive bases within chr21:31,693,347-31,693,351 gives the same sequence; the c. name uses the placement nearest the transcript's 3' end. VCF-style (leftmost placement, unchanged base first): chr21-31693346-CTCTT-C. GRCh37 (hg19) VCF-style: chr21-33065659-CTCTT-C.
Other names: c.1412_1415del, p.Lys471fs (NM_001145444.1); c.1457_1460del, p.Lys486fs (NM_001145445.1); short protein forms K471fs, K486fs.
Identifiers: ClinVar variation 3363102 (VCV003363102.2).

ClinVar aggregate classification (germline): Pathogenic (1 of 4 stars; one submission).

Conditions:
Fliedner-Zweier syndrome (FZS). Identifiers: MedGen C5882693, MONDO:0957787, OMIM 620511.

Submission:

Molecular Genetics Laboratory, Motol Hospital
Classification: Pathogenic for Fliedner-Zweier syndrome. Last evaluated: 2024-10-12. Review status: criteria provided, single submitter. Criteria: ACMG Guidelines, 2015. Collection method: clinical testing. Allele origin: de novo. Affected: yes. Observed: 1 variant allele.
Comment: This variant was found to be of a de novo origin. De novo truncating variations (nonsense, frameshift) leading to haploinsufficiency were well documented as causative in the pathogenesis of Fliedner-Zweier syndrome (OMIM:620511). The aberrant transcripts with the variant c.1457_1460del were predicted to be degraded by the process of NMD, leading to the haploinsufficiency. To conclude, the variant is classified as pathogenic (ACMG PVS1, PS2, PM2).

Literature cited by the submitters: PubMed 36333968; PubMed 32730804; PubMed 37394306.